The following is an entry in ClinVar:

ClinVar aggregate classification (germline): Benign. Review status: reviewed by expert panel (3 of 4 stars). 3 submissions from 3 submitters: Benign (1). 2 of the submissions do not count toward it. Last evaluated 2022-03-24.

Conditions:
Leigh syndrome (NULS). Also called: Leigh's syndrome; Leigh Disease; Subacute necrotizing encephalopathy; Necrotizing encephalopathy infantile subacute of Leigh; LEIGH SYNDROME, NUCLEAR; Leigh's necrotizing encephalopathy. Identifiers: Orphanet 506, MedGen C2931891, MONDO:0009723, OMIM 256000.
Mitochondrial disease. Also called: Mitochondrial disorder; Mitochondrial disorders. Identifiers: Orphanet 68380, MedGen C0751651, MeSH D028361, MONDO:0044970.

Submissions (3):

ClinGen Mitochondrial Disease Nuclear and Mitochondrial  Variant Curation Expert Panel, ClinGen
Classification: Benign for Mitochondrial disease. Last evaluated: 2022-03-24. Review status: reviewed by expert panel. Criteria: clingen mito disease acmg specifications v1-1. Collection method: curation. Allele origin: germline. Inheritance: Mitochondrial inheritance.
Comment: The m.8857G>A (p.A11T) variant in MT-ATP6 was reviewed by the Mitochondrial Disease Nuclear and Mitochondrial Variant Curation Expert Panel as part of the variant pilot for mitochondrial DNA variant specifications (McCormick et al., 2020; PMID: 32906214). This variant is seen at high frequencies across multiple haplogroups in the GenBank dataset (BS1_stand alone) including in haplogroup R7b (100% of individuals however only 9 sequences), H32 (89% of individuals however only 8/9 sequences), M30f (80% of individuals), M11d (67% of individuals), J1B (46% of individuals out of 390 sequences), X1c (40% of individuals), M52b (21% of individuals), D1g (10% of individuals), H7c (8% of individuals), and I2 (7% of individuals). If an affected individual is not a member of one of these haplogroups, further evaluation of the variant in that particular individual should be considered. In summary, this variant meets criteria to be classified as benign given high frequency in the general population across multiple haplogroups. This classification was approved by the NICHD U24 Mitochondrial Disease Variant Curation Expert Panel as of August 20, 2020. Mitochondrial DNA-specific ACMG/AMP criteria applied: BS1_stand alone.

Laboratory of Genetics, Children's Clinical University Hospital Latvia
Classification: Benign. Last evaluated: 2025-02-16. Review status: criteria provided, single submitter. Criteria: ACMG Guidelines, 2015. Collection method: clinical testing. Allele origin: germline. Affected: yes. Not counted in ClinVar's aggregate classification.

Wong Mito Lab, Molecular and Human Genetics, Baylor College of Medicine
Classification: Benign for Leigh syndrome. Last evaluated: 2019-10-17. Review status: criteria provided, single submitter. Criteria: Modified ACMG Guidelines (Unpublished). Collection method: clinical testing. Allele origin: germline. Not counted in ClinVar's aggregate classification.
Comment: The NC_012920.1:m.8557G>A (YP_003024031.1:p.Ala11Thr) variant in MTATP6 gene is interpretated to be a Benign variant based on the modified ACMG guidelines (unpublished). This variant meets the following evidence codes: BS1, BS2, BP4

NC_012920.1(MT-ATP8):m.8557G>A

Genes: MT-ATP6 (mitochondrially encoded ATP synthase 6; plus strand), MT-ATP8 (mitochondrially encoded ATP synthase 8; plus strand).
Variant type: single nucleotide variant.
Genome position: chrM-8557-G-A.
Identifiers: ClinVar variation 692900 (VCV000692900.3), dbSNP rs386829040, ClinGen allele CA414796680.
Genomic context (GRCh38, chrMT:8,557, plus strand): 5'-AAAAAATTATAACAAACCCTGAGAACCAAAATGAACGAAAATCTGTTCGCTTCATTCATT[G>A]CCCCCACAATCCTAGGCCTACCCGCCGCAGTACTGATCATTCTATTTCCCCCTCTATTGA-3'